The following is an entry in ClinVar:

ClinVar aggregate classification (germline): Uncertain significance. Review status: criteria provided, multiple submitters, no conflicts (2 of 4 stars). 2 submissions from 2 submitters: Uncertain significance (2). Last evaluated 2025-10-20.

Conditions:
Hereditary cancer-predisposing syndrome. Also called: Neoplastic Syndromes, Hereditary; Tumor predisposition; Hereditary Cancer Syndrome; Hereditary neoplastic syndrome. Identifiers: Orphanet 140162, MedGen C0027672, MeSH D009386, MONDO:0015356.
Neurofibromatosis, type 2 (SWNV). Also called: NF2-Related Schwannomatosis; BILATERAL ACOUSTIC NEUROFIBROMATOSIS; SCHWANNOMATOSIS, VESTIBULAR. Identifiers: Orphanet 637, MedGen C0027832, MONDO:0007039, OMIM 101000. Disease mechanism: loss of function.

Allele frequency attached by ClinVar (database versions not stated): TOPMed below 0.00001.

Submissions (2):

Labcorp Genetics (formerly Invitae), Labcorp
Classification: Uncertain significance for Neurofibromatosis, type 2. Last evaluated: 2025-10-20. Review status: criteria provided, single submitter. Criteria: Invitae Variant Classification Sherloc (09022015). Collection method: clinical testing. Allele origin: germline.
Comment: This sequence change replaces glutamic acid, which is acidic and polar, with glycine, which is neutral and non-polar, at codon 355 of the NF2 protein (p.Glu355Gly). This variant is not present in population databases (gnomAD no frequency). This variant has not been reported in the literature in individuals affected with NF2-related conditions. ClinVar contains an entry for this variant (Variation ID: 2022319). Invitae Evidence Modeling of protein sequence and biophysical properties (such as structural, functional, and spatial information, amino acid conservation, physicochemical variation, residue mobility, and thermodynamic stability) has been performed for this missense variant. However, the output from this modeling did not meet the statistical confidence thresholds required to predict the impact of this variant on NF2 protein function. In summary, the available evidence is currently insufficient to determine the role of this variant in disease. Therefore, it has been classified as a Variant of Uncertain Significance.

Ambry Genetics
Classification: Uncertain significance for Hereditary cancer-predisposing syndrome. Last evaluated: 2024-01-31. Review status: criteria provided, single submitter. Criteria: Ambry Variant Classification Scheme 2023. Collection method: clinical testing. Allele origin: germline.
Comment: The p.E355G variant (also known as c.1064A>G), located in coding exon 11 of the NF2 gene, results from an A to G substitution at nucleotide position 1064. The glutamic acid at codon 355 is replaced by glycine, an amino acid with similar properties. This amino acid position is conserved. In addition, the in silico prediction for this alteration is inconclusive. Based on the available evidence, the clinical significance of this alteration remains unclear.

NM_000268.4(NF2):c.1064A>G (p.Glu355Gly)

Gene: NF2 (NF2, moesin-ezrin-radixin like (MERLIN) tumor suppressor; plus strand). Cytogenetic location: 22q12.2.
Variant type: single nucleotide variant.
Coding change: c.1064A>G on transcript NM_000268.4 (MANE Select); coding-DNA position 1064, A replaced by G.
Protein change: p.Glu355Gly; replaces glutamic acid 355 with glycine.
Molecular consequence: missense variant. On other transcripts: non-coding transcript variant (1), intron variant (1).
Genome position (GRCh38, 1-based): chr22:29,671,890, A>G. VCF-style: chr22-29671890-A-G. GRCh37 (hg19) VCF-style: chr22-30067879-A-G.
Other names: c.950A>G, p.Glu317Gly (NM_001407053.1, NM_001407056.1); c.941A>G, p.Glu314Gly (NM_001407054.1, NM_001407058.1, NM_181829.3); c.938A>G, p.Glu313Gly (NM_001407055.1, NM_181828.3); c.929A>G, p.Glu310Gly (NM_001407057.1, NM_001407059.1); c.1064A>G, p.Glu355Gly (NM_001407060.1, NM_001407066.1, NM_016418.5 and 2 more transcripts); c.806A>G, p.Glu269Gly (NM_001407062.1); c.815A>G, p.Glu272Gly (NM_001407063.1, NM_001407064.1, NM_181830.3 and 1 more transcripts); c.530A>G, p.Glu177Gly (NM_001407065.1); and 2 more; short protein forms E310G, E314G, E355G, E177G, E269G, E278G, E317G, E272G.
Identifiers: ClinVar variation 2022319 (VCV002022319.5), dbSNP rs2066803440, ClinGen allele CA411146968.